The following is an entry in ClinVar:

ClinVar aggregate classification (germline): Conflicting classifications of pathogenicity. Review status: criteria provided, conflicting classifications (1 of 4 stars). 5 submissions from 5 submitters: Uncertain significance (3); Likely benign (2). Last evaluated 2026-02-04.

Conditions:
Primary ciliary dyskinesia. Also called: Ciliary dyskinesia. Identifiers: Orphanet 244, MedGen C0008780, MONDO:0016575, HP:0012265.
Primary ciliary dyskinesia 7. Also called: CILIARY DYSKINESIA, PRIMARY, 7, WITH OR WITHOUT SITUS INVERSUS. Identifiers: Orphanet 244, MedGen C2678473, MONDO:0012748, OMIM 611884.

Allele frequency attached by ClinVar (database versions not stated): gnomAD 0.00036 and 0.00069; ESP Exome Variant Server 0.00040; TOPMed 0.00126.
gnomAD v4.1: 1,116 of 1,613,490 alleles (0.069%); highest among the groups gnomAD compares: Non-Finnish European, 0.087%; 1 homozygote.

Submissions (5):

Labcorp Genetics (formerly Invitae), Labcorp
Classification: Likely benign for Primary ciliary dyskinesia. Last evaluated: 2026-02-04. Review status: criteria provided, single submitter. Criteria: Invitae Variant Classification Sherloc (09022015). Collection method: clinical testing. Allele origin: germline.

Mayo Clinic Laboratories, Mayo Clinic
Classification: Uncertain significance. Last evaluated: 2025-10-10. Review status: criteria provided, single submitter. Criteria: ACMG Guidelines, 2015. Collection method: clinical testing. Allele origin: germline. Observed: 2 variant alleles.
Comment: BP4_moderate

Blueprint Genetics
Classification: Uncertain significance. Last evaluated: 2024-09-11. Review status: criteria provided, single submitter. Criteria: ACMG Guidelines, 2015. Collection method: clinical testing. Allele origin: germline.

Fulgent Genetics
Classification: Uncertain significance for Primary ciliary dyskinesia 7. Last evaluated: 2022-01-12. Review status: criteria provided, single submitter. Criteria: ACMG Guidelines, 2015. Collection method: clinical testing. Allele origin: unknown.

Ambry Genetics
Classification: Likely benign for Primary ciliary dyskinesia. Last evaluated: 2021-12-08. Review status: criteria provided, single submitter. Criteria: Ambry Variant Classification Scheme 2023. Collection method: clinical testing. Allele origin: germline.

NM_001277115.2(DNAH11):c.11277C>G (p.Ile3759Met)

Gene: DNAH11 (dynein axonemal heavy chain 11; plus strand). Cytogenetic location: 7p15.3.
Variant type: single nucleotide variant.
Coding change: c.11277C>G on transcript NM_001277115.2 (MANE Select); coding-DNA position 11277, C replaced by G.
Protein change: p.Ile3759Met; replaces isoleucine 3759 with methionine.
Molecular consequence: missense variant.
Genome position (GRCh38, 1-based): chr7:21,861,927, C>G. VCF-style: chr7-21861927-C-G. GRCh37 (hg19) VCF-style: chr7-21901545-C-G.
Other names: p.Ile3759Met; short protein forms I3759M.
Identifiers: ClinVar variation 238889 (VCV000238889.19), dbSNP rs202148932, ClinGen allele CA4182691.